The following is an entry in ClinVar:

NM_004329.3(BMPR1A):c.1360C>T (p.Gln454Ter)

Gene: BMPR1A (bone morphogenetic protein receptor type 1A; plus strand). Cytogenetic location: 10q23.2.
Variant type: single nucleotide variant.
Coding change: c.1360C>T on transcript NM_004329.3 (MANE Select); coding-DNA position 1360, C replaced by T.
Protein change: p.Gln454Ter; replaces glutamine 454 with a stop codon.
Molecular consequence: nonsense.
Genome position (GRCh38, 1-based): chr10:86,923,393, C>T. VCF-style: chr10-86923393-C-T. GRCh37 (hg19) VCF-style: chr10-88683150-C-T.
Other names: short protein forms Q454*.
Identifiers: ClinVar variation 486794 (VCV000486794.13), dbSNP rs1554891570, ClinGen allele CA377462694.
Genomic context (GRCh38, chr10:86,923,393, plus strand): 5'-CCAGCAACCATTTTTGTGCCCATGTTTTCTCATTCCCTTATAGGGATCGTGGAAGAATAC[C>T]AATTGCCATATTACAACATGGTACCGAGTGATCCGTCATACGAAGATATGCGTGAGGTTG-3'

ClinVar aggregate classification (germline): Pathogenic. Review status: criteria provided, multiple submitters, no conflicts (2 of 4 stars). 2 submissions from 2 submitters: Pathogenic (2). Last evaluated 2022-02-14.

Conditions:
Juvenile polyposis syndrome (JPS). Identifiers: Orphanet 2929, MedGen C0345893, MONDO:0017380, OMIM 174900.
Hereditary cancer-predisposing syndrome. Also called: Tumor predisposition; Neoplastic Syndromes, Hereditary; Hereditary Cancer Syndrome; Hereditary neoplastic syndrome. Identifiers: Orphanet 140162, MedGen C0027672, MeSH D009386, MONDO:0015356.

Submissions (2):

Ambry Genetics
Classification: Pathogenic for Hereditary cancer-predisposing syndrome. Last evaluated: 2022-02-14. Review status: criteria provided, single submitter. Criteria: Ambry Variant Classification Scheme 2023. Collection method: clinical testing. Allele origin: germline.
Comment: The p.Q454* pathogenic mutation (also known as c.1360C>T), located in coding exon 10 of the BMPR1A gene, results from a C to T substitution at nucleotide position 1360. This changes the amino acid from a glutamine to a stop codon within coding exon 10. This variant is considered to be rare based on population cohorts in the Genome Aggregation Database (gnomAD). This alteration is expected to result in loss of function by premature protein truncation or nonsense-mediated mRNA decay. As such, this alteration is interpreted as a disease-causing mutation.

Labcorp Genetics (formerly Invitae), Labcorp
Classification: Pathogenic for Juvenile polyposis syndrome. Last evaluated: 2018-12-16. Review status: criteria provided, single submitter. Criteria: Invitae Variant Classification Sherloc (09022015). Collection method: clinical testing. Allele origin: germline.
Comment: Loss-of-function variants in BMPR1A are known to be pathogenic (PMID: 11536076, 12417513). For these reasons, this variant has been classified as Pathogenic. This variant has not been reported in the literature in individuals with BMPR1A-related conditions. ClinVar contains an entry for this variant (Variation ID: 486794). This variant is not present in population databases (ExAC no frequency). This sequence change creates a premature translational stop signal (p.Gln454*) in the BMPR1A gene. It is expected to result in an absent or disrupted protein product.

Literature cited by the submitters: PubMed 11536076 (cited by Labcorp Genetics (formerly Invitae), Labcorp); PubMed 12417513 (cited by Labcorp Genetics (formerly Invitae), Labcorp).